The following is an entry in ClinVar:

NM_004036.5(ADCY3):c.713C>T (p.Ala238Val)

Gene: ADCY3 (adenylate cyclase 3; minus strand). Cytogenetic location: 2p23.3.
Variant type: single nucleotide variant.
Coding change: c.713C>T on transcript NM_004036.5 (MANE Select); coding-DNA position 713, C replaced by T.
Protein change: p.Ala238Val; replaces alanine 238 with valine.
Molecular consequence: missense variant. On other transcripts: 5 prime UTR variant (1).
Genome position (GRCh38, 1-based): chr2:24,872,682, G>A on the plus strand (C>T on the coding strand, the complement: ADCY3 is on the minus strand). VCF-style: chr2-24872682-G-A. GRCh37 (hg19) VCF-style: chr2-25095551-G-A.
Other names: c.713C>T, p.Ala238Val (NM_001320613.2, NM_001377128.1, NM_001377129.1 and 2 more transcripts); c.-11C>T (NM_001377131.1); short protein forms A238V.
Identifiers: ClinVar variation 3351609 (VCV003351609.1).

ClinVar aggregate classification (germline): Uncertain significance (0 of 4 stars; one submission).

Conditions:
ADCY3-related disorder. Also called: ADCY3-related condition.

Submission:

PreventionGenetics, part of Exact Sciences
Classification: Uncertain significance for ADCY3-related condition. Last evaluated: 2024-05-07. Review status: no assertion criteria provided. Collection method: clinical testing. Allele origin: germline.
Comment: The ADCY3 c.713C>T variant is predicted to result in the amino acid substitution p.Ala238Val. To our knowledge, this variant has not been reported in the literature or in a large population database, indicating this variant is rare. At this time, the clinical significance of this variant is uncertain due to the absence of conclusive functional and genetic evidence.